The following is an entry in ClinVar:

ClinVar aggregate classification (germline): Uncertain significance (1 of 4 stars; one submission).

Allele frequency attached by ClinVar (database versions not stated): TOPMed below 0.00001; gnomAD 0.00001.

Submission:

Labcorp Genetics (formerly Invitae), Labcorp
Classification: Uncertain significance. Last evaluated: 2022-08-30. Review status: criteria provided, single submitter. Criteria: Invitae Variant Classification Sherloc (09022015). Collection method: clinical testing. Allele origin: germline.
Comment: Variants that disrupt the consensus splice site are a relatively common cause of aberrant splicing (PMID: 17576681, 9536098). Algorithms developed to predict the effect of sequence changes on RNA splicing suggest that this variant is not likely to affect RNA splicing. This sequence change falls in intron 2 of the NLRP1 gene. It does not directly change the encoded amino acid sequence of the NLRP1 protein. It affects a nucleotide within the consensus splice site. This variant is not present in population databases (gnomAD no frequency). This variant has not been reported in the literature in individuals affected with NLRP1-related conditions. In summary, the available evidence is currently insufficient to determine the role of this variant in disease. Therefore, it has been classified as a Variant of Uncertain Significance.

Literature cited by the submitters: PubMed 17576681; PubMed 9536098.

NM_033004.4(NLRP1):c.449-3C>A

Gene: NLRP1 (NLR family pyrin domain containing 1; minus strand). Cytogenetic location: 17p13.2.
Variant type: single nucleotide variant.
Coding change: c.449-3C>A on transcript NM_033004.4 (MANE Select); 3 bases into the intron before coding-DNA position 449, C replaced by A.
Molecular consequence: intron variant.
Genome position (GRCh38, 1-based): chr17:5,582,065, G>T on the plus strand (C>A on the coding strand, the complement: NLRP1 is on the minus strand). VCF-style: chr17-5582065-G-T. GRCh37 (hg19) VCF-style: chr17-5485385-G-T.
Other names: c.449-3C>A (NM_001033053.3, NM_033007.4, NM_033006.4 and 1 more transcripts).
Identifiers: ClinVar variation 1943438 (VCV001943438.5), dbSNP rs1428908357, ClinGen allele CA773281732.